The following is an entry in ClinVar:

ClinVar aggregate classification (germline): Conflicting classifications of pathogenicity. Review status: criteria provided, conflicting classifications (1 of 4 stars). 6 submissions from 6 submitters: Uncertain significance (5); Likely benign (1). Last evaluated 2026-01-25.

Conditions:
Hereditary cancer-predisposing syndrome. Also called: Neoplastic Syndromes, Hereditary; Tumor predisposition; Hereditary neoplastic syndrome; Hereditary Cancer Syndrome. Identifiers: Orphanet 140162, MedGen C0027672, MeSH D009386, MONDO:0015356.
NTHL1-related disorder. Also called: NTHL1-related conditions; NTHL1-related condition.
Familial adenomatous polyposis 3. Also called: NTHL1 Tumor Syndrome; NTHL1-related attenuated familial adenomatous polyposis; NTHL1-associated polyposis; NTHL1-Related Adenomatous Polyposis and Colorectal Cancer. Identifiers: Orphanet 220460, Orphanet 454840, MedGen C4225157, MONDO:0014630, OMIM 616415.

Allele frequency attached by ClinVar (database versions not stated): gnomAD exomes 0.00001 and 0.00002; gnomAD 0.00002 and 0.00014; ExAC 0.00003; ESP Exome Variant Server 0.00015; TOPMed 0.00015.
gnomAD v4.1: 42 of 1,613,028 alleles (0.0026%); highest among the groups gnomAD compares: South Asian, 0.0055%; no homozygotes.

Submissions (6):

Labcorp Genetics (formerly Invitae), Labcorp
Classification: Uncertain significance. Last evaluated: 2026-01-25. Review status: criteria provided, single submitter. Criteria: Invitae Variant Classification Sherloc (09022015). Collection method: clinical testing. Allele origin: germline.
Comment: This sequence change replaces glycine, which is neutral and non-polar, with serine, which is neutral and polar, at codon 70 of the NTHL1 protein (p.Gly70Ser). This variant is present in population databases (rs368897948, gnomAD 0.006%). This variant has not been reported in the literature in individuals affected with NTHL1-related conditions. ClinVar contains an entry for this variant (Variation ID: 650929). An algorithm developed to predict the effect of missense changes on protein structure and function outputs the following: PolyPhen-2: "Benign". The serine amino acid residue is found in multiple mammalian species, which suggests that this missense change does not adversely affect protein function. In summary, the available evidence is currently insufficient to determine the role of this variant in disease. Therefore, it has been classified as a Variant of Uncertain Significance.

Ambry Genetics
Classification: Likely benign for Hereditary cancer-predisposing syndrome. Last evaluated: 2026-01-20. Review status: criteria provided, single submitter. Criteria: Ambry Variant Classification Scheme 2023. Collection method: clinical testing. Allele origin: germline.

PreventionGenetics, part of Exact Sciences
Classification: Uncertain significance for NTHL1-related condition. Last evaluated: 2025-08-20. Review status: criteria provided, single submitter. Criteria: ACMG Guidelines, 2015. Collection method: clinical testing. Allele origin: germline.
Comment: The NTHL1 c.208G>A variant is predicted to result in the amino acid substitution p.Gly70Ser. This variant has been reported in an individual with ovarian cancer who had a family history of cancer (Table S4, Bhai et al. 2021. PubMed ID: 34326862). This variant is reported in 0.0065% of alleles in individuals of South Asian descent in gnomAD and is interpreted as uncertain in ClinVar (Variation ID: 650929). At this time, the clinical significance of this variant is uncertain due to the absence of conclusive functional and genetic evidence.

GeneDx
Classification: Uncertain significance. Last evaluated: 2023-08-01. Review status: criteria provided, single submitter. Criteria: GeneDx Variant Classification Process June 2021. Collection method: clinical testing. Allele origin: germline. Affected: yes.
Comment: Not observed at significant frequency in large population cohorts (gnomAD); In silico analysis supports that this missense variant does not alter protein structure/function; Has not been previously published as pathogenic or benign to our knowledge

Blueprint Genetics
Classification: Uncertain significance. Last evaluated: 2022-09-01. Review status: criteria provided, single submitter. Criteria: ACMG Guidelines, 2015. Collection method: clinical testing. Allele origin: germline.

Sema4
Classification: Uncertain significance for Hereditary cancer-predisposing syndrome. Last evaluated: 2021-10-28. Review status: criteria provided, single submitter. Criteria: Sema4 Curation Guidelines. Collection method: curation. Allele origin: germline.
Comment: The NTHL1 c.208G>A (p.G70S) variant has not been reported in the literature to our knowledge. This variant was observed in 6/250618 chromosomes in the Genome Aggregation Database (PMID: 32461654). This variant has been reported in ClinVar (Variation ID: 650929). In silico tools suggest the impact of the variant on protein function is benign, though these predictions have not been confirmed by functional studies. The evidence is insufficient to meet ACMG/AMP criteria for classifying the variant as benign or pathogenic. Thus, the clinical significance of this variant is currently uncertain.

NM_002528.7(NTHL1):c.184G>A (p.Gly62Ser)

Gene: NTHL1 (nth like DNA glycosylase 1; minus strand). Cytogenetic location: 16p13.3.
Variant type: single nucleotide variant.
Coding change: c.184G>A on transcript NM_002528.7 (MANE Select); coding-DNA position 184, G replaced by A.
Protein change: p.Gly62Ser; replaces glycine 62 with serine.
Molecular consequence: missense variant. On other transcripts: synonymous variant (1).
Genome position (GRCh38, 1-based): chr16:2,046,298, C>T on the plus strand (G>A on the coding strand, the complement: NTHL1 is on the minus strand). VCF-style: chr16-2046298-C-T. GRCh37 (hg19) VCF-style: chr16-2096299-C-T.
Other names: c.184G>A, p.Gly62Ser (LRG_1366t1, NM_001318193.2); c.6G>A, p.Arg2= (NM_001318194.2); short protein forms G62S.
Identifiers: ClinVar variation 650929 (VCV000650929.21), dbSNP rs368897948, ClinGen allele CA7828346.
Genomic context (GRCh38, chr16:2,046,298, plus strand): 5'-GGGGCTCCCAGACTGGCACCTTGAGGGGCTCAGCCCCCTCACCTTTCTCACTGTCCGAGC[C>T]CTCATAGGCCACACGCAGTCTCTGTGCTTTCCGCGGACGCTTCACGGGGCTGTGGCTTTT-3'
Protein context (NP_002519.2, residues 52-72): KAQRLRVAYE[Gly62Ser]SDSEKGEGAE